The following is an entry in ClinVar:

ClinVar aggregate classification (germline): Uncertain significance. Review status: criteria provided, multiple submitters, no conflicts (2 of 4 stars). 2 submissions from 2 submitters: Uncertain significance (2). Last evaluated 2026-02-09.

Conditions:
Familial melanoma. Also called: Hereditary melanoma; Hereditary cutaneous melanoma. Identifiers: Orphanet 618, MedGen C1512419, MONDO:0018961.
Hereditary cancer-predisposing syndrome. Also called: Hereditary Cancer Syndrome; Hereditary neoplastic syndrome; Neoplastic Syndromes, Hereditary; Tumor predisposition. Identifiers: Orphanet 140162, MedGen C0027672, MeSH D009386, MONDO:0015356.

Submissions (2):

Ambry Genetics
Classification: Uncertain significance for Hereditary cancer-predisposing syndrome. Last evaluated: 2026-02-09. Review status: criteria provided, single submitter. Criteria: Ambry Variant Classification Scheme 2023. Collection method: clinical testing. Allele origin: germline.
Comment: The p.A133V variant (also known as c.398C>T), located in coding exon 2 of the CDKN2A gene, results from a C to T substitution at nucleotide position 398. The alanine at codon 133 is replaced by valine, an amino acid with similar properties. This amino acid position is not well conserved in available vertebrate species. In addition, this alteration is predicted to be tolerated by in silico analysis. Based on the available evidence, the clinical significance of this variant remains unclear.

Labcorp Genetics (formerly Invitae), Labcorp
Classification: Uncertain significance for Familial melanoma. Last evaluated: 2024-06-28. Review status: criteria provided, single submitter. Criteria: Invitae Variant Classification Sherloc (09022015). Collection method: clinical testing. Allele origin: germline.
Comment: This sequence change replaces alanine, which is neutral and non-polar, with valine, which is neutral and non-polar, at codon 133 of the CDKN2A (p16INK4a) protein (p.Ala133Val). This variant is not present in population databases (gnomAD no frequency). This variant has not been reported in the literature in individuals affected with CDKN2A (p16INK4a)-related conditions. Algorithms developed to predict the effect of missense changes on protein structure and function output the following: SIFT: "Not Available"; PolyPhen-2: "Benign"; Align-GVGD: "Not Available". The valine amino acid residue is found in multiple mammalian species, which suggests that this missense change does not adversely affect protein function. In summary, the available evidence is currently insufficient to determine the role of this variant in disease. Therefore, it has been classified as a Variant of Uncertain Significance.

NM_000077.5(CDKN2A):c.398C>T (p.Ala133Val)

Gene: CDKN2A (cyclin dependent kinase inhibitor 2A; minus strand). Cytogenetic location: 9p21.3.
Variant type: single nucleotide variant.
Coding change: c.398C>T on transcript NM_000077.5; coding-DNA position 398, C replaced by T.
Protein change: p.Ala133Val; replaces alanine 133 with valine.
Molecular consequence: missense variant (on NM_000077.6). On other transcripts: 3 prime UTR variant (2).
Genome position (GRCh38, 1-based): chr9:21,970,961, G>A on the plus strand (C>T on the coding strand, the complement: CDKN2A is on the minus strand). VCF-style: chr9-21970961-G-A. GRCh37 (hg19) VCF-style: chr9-21970960-G-A.
Other names: c.398C>T, p.Ala133Val (NM_000077.6, NM_001195132.2); c.245C>T, p.Ala82Val (NM_001363763.2); c.*42C>T (NM_058195.4); c.*321C>T (NM_058197.5); short protein forms A133V, A82V.
Identifiers: ClinVar variation 3658067 (VCV003658067.3).